The following is an entry in ClinVar:

ClinVar aggregate classification (germline): Uncertain significance (1 of 4 stars; one submission).

Allele frequency attached by ClinVar (database versions not stated): gnomAD exomes 0.00001 and 0.00002; gnomAD 0.00002; ExAC 0.00003; TOPMed 0.00004; ESP Exome Variant Server 0.00008.
gnomAD v4.1: 25 of 1,614,070 alleles (0.0015%); highest among the groups gnomAD compares: Admixed American, 0.0033%; no homozygotes.

Submission:

Labcorp Genetics (formerly Invitae), Labcorp
Classification: Uncertain significance. Last evaluated: 2021-03-10. Review status: criteria provided, single submitter. Criteria: Invitae Variant Classification Sherloc (09022015). Collection method: clinical testing. Allele origin: germline.
Comment: In summary, the available evidence is currently insufficient to determine the role of this variant in disease. Therefore, it has been classified as a Variant of Uncertain Significance. Experimental studies and prediction algorithms are not available or were not evaluated, and the functional significance of this variant is currently unknown. This variant has not been reported in the literature in individuals with HTT-related conditions. This variant is present in population databases (rs200657357, ExAC 0.02%). This sequence change replaces arginine with cysteine at codon 1346 of the HTT protein (p.Arg1346Cys). The arginine residue is moderately conserved and there is a large physicochemical difference between arginine and cysteine.

NM_001388492.1(HTT):c.4030C>T (p.Arg1344Cys)

Gene: HTT (huntingtin; plus strand). Cytogenetic location: 4p16.3.
Variant type: single nucleotide variant.
Coding change: c.4030C>T on transcript NM_001388492.1 (MANE Select); coding-DNA position 4030, C replaced by T.
Protein change: p.Arg1344Cys; replaces arginine 1344 with cysteine.
Molecular consequence: missense variant.
Genome position (GRCh38, 1-based): chr4:3,172,995, C>T. VCF-style: chr4-3172995-C-T. GRCh37 (hg19) VCF-style: chr4-3174722-C-T.
Other names: c.4036C>T, p.Arg1346Cys (NM_002111.8); short protein forms R1346C, R1344C.
Identifiers: ClinVar variation 1408471 (VCV001408471.6), dbSNP rs200657357, ClinGen allele CA2824297.